The following is an entry in ClinVar:

NM_001242896.3(DEPDC5):c.3628G>A (p.Val1210Met)

Gene: DEPDC5 (DEP domain containing 5, GATOR1 subcomplex subunit; plus strand). Cytogenetic location: 22q12.3.
Variant type: single nucleotide variant.
Coding change: c.3628G>A on transcript NM_001242896.3 (MANE Select); coding-DNA position 3628, G replaced by A.
Protein change: p.Val1210Met; replaces valine 1210 with methionine.
Molecular consequence: missense variant. On other transcripts: non-coding transcript variant (4).
Genome position (GRCh38, 1-based): chr22:31,874,337, G>A. VCF-style: chr22-31874337-G-A. GRCh37 (hg19) VCF-style: chr22-32270323-G-A.
Other names: c.3394G>A, p.Val1132Met (NM_001363854.2, NM_001364319.2); c.3628G>A, p.Val1210Met (NM_001364318.2); c.3328G>A, p.Val1110Met (NM_001242897.2); c.3562G>A, p.Val1188Met (NM_001363852.2, NM_001364320.2); c.3544G>A, p.Val1182Met (NM_001369901.1, NM_001369902.1); c.3535G>A, p.Val1179Met (NM_001369903.1, NM_014662.6); c.3601G>A, p.Val1201Met (NM_001136029.4); short protein forms V1110M, V1132M, V1182M, V1201M, V1188M, V1179M, V1210M.
Identifiers: ClinVar variation 3661460 (VCV003661460.2).

ClinVar aggregate classification (germline): Uncertain significance (1 of 4 stars; one submission).

Conditions:
Familial focal epilepsy with variable foci (FPEVF). Identifiers: Orphanet 98820, MedGen C1858477, MONDO:0020310.

gnomAD v4.1: 2 of 1,611,112 alleles (0.00012%); highest among the groups gnomAD compares: Non-Finnish European, 0.00017%; no homozygotes.

Submission:

Labcorp Genetics (formerly Invitae), Labcorp
Classification: Uncertain significance for Familial focal epilepsy with variable foci. Last evaluated: 2024-08-05. Review status: criteria provided, single submitter. Criteria: Invitae Variant Classification Sherloc (09022015). Collection method: clinical testing. Allele origin: germline.
Comment: This sequence change replaces valine, which is neutral and non-polar, with methionine, which is neutral and non-polar, at codon 1210 of the DEPDC5 protein (p.Val1210Met). This variant is not present in population databases (gnomAD no frequency). This variant has not been reported in the literature in individuals affected with DEPDC5-related conditions. Experimental studies and prediction algorithms are not available or were not evaluated, and the functional significance of this variant is currently unknown. In summary, the available evidence is currently insufficient to determine the role of this variant in disease. Therefore, it has been classified as a Variant of Uncertain Significance.